The following is an entry in ClinVar:

NM_014225.6(PPP2R1A):c.1384G>C (p.Ala462Pro)

Gene: PPP2R1A (protein phosphatase 2 scaffold subunit Aalpha; plus strand). Cytogenetic location: 19q13.41.
Variant type: single nucleotide variant.
Coding change: c.1384G>C on transcript NM_014225.6 (MANE Select); coding-DNA position 1384, G replaced by C.
Protein change: p.Ala462Pro; replaces alanine 462 with proline.
Molecular consequence: missense variant. On other transcripts: non-coding transcript variant (1).
Genome position (GRCh38, 1-based): chr19:52,220,999, G>C. VCF-style: chr19-52220999-G-C. GRCh37 (hg19) VCF-style: chr19-52724252-G-C.
Other names: c.847G>C, p.Ala283Pro (NM_001363656.2); short protein forms A462P, A283P.
Identifiers: ClinVar variation 2865319 (VCV002865319.3), dbSNP rs2122364608, ClinGen allele CA407190034.

ClinVar aggregate classification (germline): Uncertain significance (1 of 4 stars; one submission).

Submission:

Labcorp Genetics (formerly Invitae), Labcorp
Classification: Uncertain significance. Last evaluated: 2023-05-17. Review status: criteria provided, single submitter. Criteria: Invitae Variant Classification Sherloc (09022015). Collection method: clinical testing. Allele origin: germline.
Comment: In summary, the available evidence is currently insufficient to determine the role of this variant in disease. Therefore, it has been classified as a Variant of Uncertain Significance. Advanced modeling of protein sequence and biophysical properties (such as structural, functional, and spatial information, amino acid conservation, physicochemical variation, residue mobility, and thermodynamic stability) performed at Invitae indicates that this missense variant is expected to disrupt PPP2R1A protein function. This variant has not been reported in the literature in individuals affected with PPP2R1A-related conditions. This variant is not present in population databases (gnomAD no frequency). This sequence change replaces alanine, which is neutral and non-polar, with proline, which is neutral and non-polar, at codon 462 of the PPP2R1A protein (p.Ala462Pro).